The following is an entry in ClinVar:

ClinVar aggregate classification (germline): Uncertain significance (1 of 4 stars; one submission).

Conditions:
Oligodontia-cancer predisposition syndrome. Also called: TOOTH AGENESIS-COLORECTAL CANCER SYNDROME. Identifiers: Orphanet 300576, MedGen C1837750, MONDO:0012075, OMIM 608615. Disease mechanism: loss of function.

Submission:

Labcorp Genetics (formerly Invitae), Labcorp
Classification: Uncertain significance for Oligodontia-cancer predisposition syndrome. Last evaluated: 2019-03-29. Review status: criteria provided, single submitter. Criteria: Invitae Variant Classification Sherloc (09022015). Collection method: clinical testing. Allele origin: germline.
Comment: In summary, the available evidence is currently insufficient to determine the role of this variant in disease. Therefore, it has been classified as a Variant of Uncertain Significance. Algorithms developed to predict the effect of missense changes on protein structure and function (SIFT, PolyPhen-2, Align-GVGD) all suggest that this variant is likely to be tolerated, but these predictions have not been confirmed by published functional studies and their clinical significance is uncertain. This variant has not been reported in the literature in individuals with AXIN2-related conditions. This variant is not present in population databases (ExAC no frequency). This sequence change replaces alanine with serine at codon 813 of the AXIN2 protein (p.Ala813Ser). The alanine residue is weakly conserved and there is a moderate physicochemical difference between alanine and serine.

NM_004655.4(AXIN2):c.2437G>T (p.Ala813Ser)

Gene: AXIN2 (axin 2; minus strand). Cytogenetic location: 17q24.1.
Variant type: single nucleotide variant.
Coding change: c.2437G>T on transcript NM_004655.4 (MANE Select); coding-DNA position 2437, G replaced by T.
Protein change: p.Ala813Ser; replaces alanine 813 with serine.
Molecular consequence: missense variant.
Genome position (GRCh38, 1-based): chr17:65,530,071, C>A on the plus strand (G>T on the coding strand, the complement: AXIN2 is on the minus strand). VCF-style: chr17-65530071-C-A. GRCh37 (hg19) VCF-style: chr17-63526189-C-A.
Other names: c.2242G>T, p.Ala748Ser (NM_001363813.1); short protein forms A813S, A748S.
Identifiers: ClinVar variation 840050 (VCV000840050.9), dbSNP rs372420075, ClinGen allele CA400674914.